The following is an entry in ClinVar:

NM_006767.4(LZTR1):c.792-194C>T

Gene: LZTR1 (leucine zipper like post translational regulator 1; plus strand). Cytogenetic location: 22q11.21.
Variant type: single nucleotide variant.
Coding change: c.792-194C>T on transcript NM_006767.4 (MANE Select); 194 bases into the intron before coding-DNA position 792, C replaced by T.
Molecular consequence: intron variant.
Genome position (GRCh38, 1-based): chr22:20,991,434, C>T. VCF-style: chr22-20991434-C-T. GRCh37 (hg19) VCF-style: chr22-21345723-C-T.
Identifiers: ClinVar variation 561584 (VCV000561584.1), dbSNP rs76884142, ClinGen allele CA14984003.

ClinVar aggregate classification (germline): Benign (1 of 4 stars; one submission).

Allele frequency attached by ClinVar (database versions not stated): 1000 Genomes Project 30x 0.02655; 1000 Genomes Project 0.02815; TOPMed 0.03781; gnomAD 0.04048 and 0.04054.
gnomAD v4.1: 28,229 of 583,164 alleles (4.8%); highest among the groups gnomAD compares: Middle Eastern, 9.8%; 859 homozygotes.

Submission:

GeneDx
Classification: Benign. Last evaluated: 2018-06-14. Review status: criteria provided, single submitter. Criteria: GeneDx Variant Classification (06012015). Collection method: clinical testing. Allele origin: germline. Affected: yes.
Comment: This variant is considered likely benign or benign based on one or more of the following criteria: it is a conservative change, it occurs at a poorly conserved position in the protein, it is predicted to be benign by multiple in silico algorithms, and/or has population frequency not consistent with disease.